The following is an entry in ClinVar:

ClinVar aggregate classification (germline): Uncertain significance (1 of 4 stars; one submission).

Submission:

CeGaT Center for Human Genetics Tuebingen
Classification: Uncertain significance. Last evaluated: 2023-10-01. Review status: criteria provided, single submitter. Criteria: CeGaT Center For Human Genetics Tuebingen Variant Classification Criteria Version 2. Collection method: clinical testing. Allele origin: germline. Affected: yes. Observed: 1 variant allele.
Comment: SHROOM3: PM2, BP4

NM_020859.4(SHROOM3):c.3812C>G (p.Ala1271Gly)

Genes: SHROOM3 (shroom family member 3; plus strand), SHROOM3-AS1 (SHROOM3 antisense RNA 1; minus strand). Cytogenetic location: 4q21.1.
Variant type: single nucleotide variant.
Coding change: c.3812C>G on transcript NM_020859.4 (MANE Select); coding-DNA position 3812, C replaced by G.
Protein change: p.Ala1271Gly; replaces alanine 1271 with glycine.
Molecular consequence: missense variant.
Genome position (GRCh38, 1-based): chr4:76,749,075, C>G. VCF-style: chr4-76749075-C-G. GRCh37 (hg19) VCF-style: chr4-77670228-C-G.
Other names: short protein forms A1271G.
Identifiers: ClinVar variation 2654833 (VCV002654833.24), dbSNP rs2476059345, ClinGen allele CA357348135.